The following is an entry in ClinVar:

NM_006269.2(RP1):c.5402C>T (p.Ser1801Phe)

Genes: RP1 (RP1 axonemal microtubule associated; plus strand), LOC126860392 (CDK7 strongly-dependent group 2 enhancer GRCh37_chr8:55541319-55542518; plus strand). Cytogenetic location: 8q12.1.
Variant type: single nucleotide variant.
Coding change: c.5402C>T on transcript NM_006269.2 (MANE Select); coding-DNA position 5402, C replaced by T.
Protein change: p.Ser1801Phe; replaces serine 1801 with phenylalanine.
Molecular consequence: missense variant. On other transcripts: intron variant (1).
Genome position (GRCh38, 1-based): chr8:54,629,284, C>T. VCF-style: chr8-54629284-C-T. GRCh37 (hg19) VCF-style: chr8-55541844-C-T.
Other names: c.787+6996C>T (NM_001375654.1); short protein forms S1801F.
Identifiers: ClinVar variation 1374635 (VCV001374635.6), dbSNP rs756209226, ClinGen allele CA4752067.

ClinVar aggregate classification (germline): Uncertain significance (1 of 4 stars; one submission).

Allele frequency attached by ClinVar (database versions not stated): gnomAD exomes 0.00001; ExAC 0.00002.
gnomAD v4.1: 2 of 1,613,672 alleles (0.00012%); highest among the groups gnomAD compares: Admixed American, 0.0017%; no homozygotes.

Submission:

Labcorp Genetics (formerly Invitae), Labcorp
Classification: Uncertain significance. Last evaluated: 2023-06-13. Review status: criteria provided, single submitter. Criteria: Invitae Variant Classification Sherloc (09022015). Collection method: clinical testing. Allele origin: germline.
Comment: This sequence change replaces serine, which is neutral and polar, with phenylalanine, which is neutral and non-polar, at codon 1801 of the RP1 protein (p.Ser1801Phe). An algorithm developed to predict the effect of missense changes on protein structure and function (PolyPhen-2) suggests that this variant is likely to be disruptive. ClinVar contains an entry for this variant (Variation ID: 1374635). This variant has not been reported in the literature in individuals affected with RP1-related conditions. This variant is present in population databases (rs756209226, gnomAD 0.003%). In summary, the available evidence is currently insufficient to determine the role of this variant in disease. Therefore, it has been classified as a Variant of Uncertain Significance.